The following is an entry in ClinVar:

ClinVar aggregate classification (germline): Uncertain significance (1 of 4 stars; one submission).

Submission:

Labcorp Genetics (formerly Invitae), Labcorp
Classification: Uncertain significance. Last evaluated: 2024-09-25. Review status: criteria provided, single submitter. Criteria: Invitae Variant Classification Sherloc (09022015). Collection method: clinical testing. Allele origin: germline.
Comment: This sequence change replaces arginine, which is basic and polar, with serine, which is neutral and polar, at codon 670 of the DUOX2 protein (p.Arg670Ser). This variant is not present in population databases (gnomAD no frequency). This variant has not been reported in the literature in individuals affected with DUOX2-related conditions. ClinVar contains an entry for this variant (Variation ID: 1720127). Invitae Evidence Modeling of protein sequence and biophysical properties (such as structural, functional, and spatial information, amino acid conservation, physicochemical variation, residue mobility, and thermodynamic stability) indicates that this missense variant is not expected to disrupt DUOX2 protein function with a negative predictive value of 80%. In summary, the available evidence is currently insufficient to determine the role of this variant in disease. Therefore, it has been classified as a Variant of Uncertain Significance.

NM_001363711.2(DUOX2):c.2010G>T (p.Arg670Ser)

Gene: DUOX2 (dual oxidase 2; minus strand). Cytogenetic location: 15q21.1.
Variant type: single nucleotide variant.
Coding change: c.2010G>T on transcript NM_001363711.2 (MANE Select); coding-DNA position 2010, G replaced by T.
Protein change: p.Arg670Ser; replaces arginine 670 with serine.
Molecular consequence: missense variant.
Genome position (GRCh38, 1-based): chr15:45,106,263, C>A on the plus strand (G>T on the coding strand, the complement: DUOX2 is on the minus strand). VCF-style: chr15-45106263-C-A. GRCh37 (hg19) VCF-style: chr15-45398461-C-A.
Other names: c.2010G>T, p.Arg670Ser (NM_014080.5); short protein forms R670S.
Identifiers: ClinVar variation 1720127 (VCV001720127.5), dbSNP rs2504766498, ClinGen allele CA392273242.